The following is an entry in ClinVar:

ClinVar aggregate classification (germline): Uncertain significance (1 of 4 stars; one submission).

Conditions:
Primary ciliary dyskinesia. Also called: Ciliary dyskinesia. Identifiers: Orphanet 244, MedGen C0008780, MONDO:0016575, HP:0012265.

Allele frequency attached by ClinVar (database versions not stated): gnomAD exomes below 0.00001; TOPMed 0.00001.
gnomAD v4.1: 6 of 1,613,128 alleles (0.00037%); highest among the groups gnomAD compares: African/African-American, 0.0013%; no homozygotes.

Submission:

Labcorp Genetics (formerly Invitae), Labcorp
Classification: Uncertain significance for Primary ciliary dyskinesia. Last evaluated: 2018-10-23. Review status: criteria provided, single submitter. Criteria: Invitae Variant Classification Sherloc (09022015). Collection method: clinical testing. Allele origin: germline.
Comment: This sequence change replaces arginine with cysteine at codon 344 of the DNAAF5 protein (p.Arg344Cys). The arginine residue is highly conserved and there is a large physicochemical difference between arginine and cysteine. This variant is not present in population databases (ExAC no frequency). This variant has not been reported in the literature in individuals with DNAAF5-related disease. Algorithms developed to predict the effect of missense changes on protein structure and function are either unavailable or do not agree on the potential impact of this missense change (SIFT: "Deleterious"; PolyPhen-2: "Probably Damaging"; Align-GVGD: "Class C0"). In summary, the available evidence is currently insufficient to determine the role of this variant in disease. Therefore, it has been classified as a Variant of Uncertain Significance.

NM_017802.4(DNAAF5):c.1030C>T (p.Arg344Cys)

Gene: DNAAF5 (dynein axonemal assembly factor 5; plus strand). Cytogenetic location: 7p22.3.
Variant type: single nucleotide variant.
Coding change: c.1030C>T on transcript NM_017802.4 (MANE Select); coding-DNA position 1030, C replaced by T.
Protein change: p.Arg344Cys; replaces arginine 344 with cysteine.
Molecular consequence: missense variant. On other transcripts: non-coding transcript variant (1).
Genome position (GRCh38, 1-based): chr7:754,594, C>T. VCF-style: chr7-754594-C-T. GRCh37 (hg19) VCF-style: chr7-794231-C-T.
Other names: short protein forms R344C.
Identifiers: ClinVar variation 642296 (VCV000642296.1), dbSNP rs1583495983, ClinGen allele CA366536086.